The following is an entry in ClinVar:

ClinVar aggregate classification (germline): Uncertain significance. Review status: criteria provided, multiple submitters, no conflicts (2 of 4 stars). 4 submissions from 4 submitters: Uncertain significance (4). Last evaluated 2025-11-27.

Conditions:
Colorectal cancer. Also called: Colorectal cancer, somatic; Malignant Colorectal Neoplasm. Identifiers: MedGen C0346629, MONDO:0005575, OMIM 114500.
Familial spontaneous pneumothorax (PSP). Identifiers: Orphanet 2903, MedGen C1868193, MONDO:0008259, OMIM 173600.
17p11.2 microduplication syndrome (PTLS). Also called: CHROMOSOME 17p11.2 DUPLICATION SYNDROME; Potocki-Lupski syndrome; Duplication 17p11.2 syndrome; Potocki-Lupski syndrome (dup(17)(p11.2p11.2)). Identifiers: Orphanet 1713, MedGen C2931246, MONDO:0012574, OMIM 610883.
Birt-Hogg-Dube syndrome. Also called: Birt Hogg Dubé syndrome. Identifiers: Orphanet 122, MedGen C0346010, MONDO:0800444.
Nonpapillary renal cell carcinoma. Identifiers: Orphanet 422526, MedGen CN074294, MONDO:0007763, OMIM 144700.
Hereditary cancer-predisposing syndrome. Also called: Tumor predisposition; Hereditary neoplastic syndrome; Neoplastic Syndromes, Hereditary; Hereditary Cancer Syndrome. Identifiers: Orphanet 140162, MedGen C0027672, MeSH D009386, MONDO:0015356.

Allele frequency attached by ClinVar (database versions not stated): gnomAD exomes below 0.00001 and 0.00001; ExAC 0.00001; gnomAD 0.00001.
gnomAD v4.1: 3 of 1,613,366 alleles (0.00019%); highest among the groups gnomAD compares: Non-Finnish European, 0.00025%; no homozygotes.

Submissions (4):

Labcorp Genetics (formerly Invitae), Labcorp
Classification: Uncertain significance for Birt-Hogg-Dube syndrome. Last evaluated: 2025-11-27. Review status: criteria provided, single submitter. Criteria: Invitae Variant Classification Sherloc (09022015). Collection method: clinical testing. Allele origin: germline.
Comment: This sequence change replaces arginine, which is basic and polar, with cysteine, which is neutral and slightly polar, at codon 17 of the FLCN protein (p.Arg17Cys). This variant is present in population databases (rs765251703, gnomAD 0.006%). This variant has not been reported in the literature in individuals affected with FLCN-related conditions. ClinVar contains an entry for this variant (Variation ID: 1496182). Invitae Evidence Modeling of protein sequence and biophysical properties (such as structural, functional, and spatial information, amino acid conservation, physicochemical variation, residue mobility, and thermodynamic stability) indicates that this missense variant is not expected to disrupt FLCN protein function with a negative predictive value of 80%. In summary, the available evidence is currently insufficient to determine the role of this variant in disease. Therefore, it has been classified as a Variant of Uncertain Significance.

Quest Diagnostics Nichols Institute San Juan Capistrano
Classification: Uncertain significance. Last evaluated: 2025-04-28. Review status: criteria provided, single submitter. Criteria: Quest Diagnostics criteria. Collection method: clinical testing. Allele origin: unknown.
Comment: The FLCN c.49C>T (p.Arg17Cys) variant has not been reported in individuals with FLCN-related conditions in the published literature. The frequency of this variant in the general population (Genome Aggregation Database) is uninformative in the assessment of its pathogenicity. Analysis of this variant using bioinformatics tools for the prediction of the effect of amino acid changes on protein structure and function yielded predictions that this variant is damaging. Based on the available information, we are unable to determine the clinical significance of this variant.

Ambry Genetics
Classification: Uncertain significance for Hereditary cancer-predisposing syndrome. Last evaluated: 2025-03-19. Review status: criteria provided, single submitter. Criteria: Ambry Variant Classification Scheme 2023. Collection method: clinical testing. Allele origin: germline.
Comment: The p.R17C variant (also known as c.49C>T), located in coding exon 1 of the FLCN gene, results from a C to T substitution at nucleotide position 49. The arginine at codon 17 is replaced by cysteine, an amino acid with highly dissimilar properties. This amino acid position is highly conserved in available vertebrate species. In addition, this alteration is predicted to be deleterious by in silico analysis. Since supporting evidence is limited at this time, the clinical significance of this alteration remains unclear.

Fulgent Genetics
Classification: Uncertain significance for Colorectal cancer; Birt-Hogg-Dube syndrome 1; Nonpapillary renal cell carcinoma; Familial spontaneous pneumothorax; 17p11.2 microduplication syndrome. Last evaluated: 2022-05-10. Review status: criteria provided, single submitter. Criteria: ACMG Guidelines, 2015. Collection method: clinical testing. Allele origin: unknown.

NM_144997.7(FLCN):c.49C>T (p.Arg17Cys)

Gene: FLCN (folliculin; minus strand). Cytogenetic location: 17p11.2.
Variant type: single nucleotide variant.
Coding change: c.49C>T on transcript NM_144997.7 (MANE Select); coding-DNA position 49, C replaced by T.
Protein change: p.Arg17Cys; replaces arginine 17 with cysteine.
Molecular consequence: missense variant.
Genome position (GRCh38, 1-based): chr17:17,228,089, G>A on the plus strand (C>T on the coding strand, the complement: FLCN is on the minus strand). VCF-style: chr17-17228089-G-A. GRCh37 (hg19) VCF-style: chr17-17131403-G-A.
Other names: c.49C>T (NM_144997.5, NM_144997.6); c.49C>T, p.Arg17Cys (NM_001353229.2, NM_001353230.2, NM_001353231.2 and 1 more transcripts); short protein forms R17C.
Identifiers: ClinVar variation 1496182 (VCV001496182.13), dbSNP rs765251703, ClinGen allele CA8416533.